The following is an entry in ClinVar:

NM_018993.4(RIN2):c.1908G>A (p.Pro636=)

Gene: RIN2 (Ras and Rab interactor 2; plus strand). Cytogenetic location: 20p11.23.
Variant type: single nucleotide variant.
Coding change: c.1908G>A on transcript NM_018993.4 (MANE Select); coding-DNA position 1908, G replaced by A.
Protein change: p.Pro636=; no amino-acid change (proline 636 retained).
Molecular consequence: synonymous variant.
Genome position (GRCh38, 1-based): chr20:19,990,151, G>A. VCF-style: chr20-19990151-G-A. GRCh37 (hg19) VCF-style: chr20-19970795-G-A.
Other names: c.2055G>A, p.Pro685= (NM_001242581.2); c.1290G>A, p.Pro430= (NM_001378238.1).
Identifiers: ClinVar variation 511226 (VCV000511226.8), dbSNP rs374436404, ClinGen allele CA9780168.
Genomic context (GRCh38, chr20:19,990,151, plus strand): 5'-GGCCGATGGCTCATGGAAGCAACTCAAGGAGAACCTGCAGCTTGTGCGGCAGAGGAATCC[G>A]CAGGAGCTGGGGGTCTTCGCCCCGACCCCTGATTTTGTGGATGTGGAGAAAATCAAAGTC-3'
Protein context (NP_061866.1, residues 626-646): ENLQLVRQRN[Pro636=]QELGVFAPTP

ClinVar aggregate classification (germline): Likely benign. Review status: criteria provided, multiple submitters, no conflicts (2 of 4 stars). 2 submissions from 2 submitters: Likely benign (2). Last evaluated 2025-07-09.

Allele frequency attached by ClinVar (database versions not stated): ESP Exome Variant Server 0.00025; gnomAD exomes 0.00002; TOPMed 0.00002; gnomAD 0.00003 and 0.00004; ExAC 0.00006.
gnomAD v4.1: 28 of 1,603,092 alleles (0.0017%); highest among the groups gnomAD compares: African/African-American, 0.0094%; no homozygotes.

Submissions (2):

Labcorp Genetics (formerly Invitae), Labcorp
Classification: Likely benign. Last evaluated: 2025-07-09. Review status: criteria provided, single submitter. Criteria: Invitae Variant Classification Sherloc (09022015). Collection method: clinical testing. Allele origin: germline.

GeneDx
Classification: Likely benign. Last evaluated: 2017-08-07. Review status: criteria provided, single submitter. Criteria: GeneDx Variant Classification (06012015). Collection method: clinical testing. Allele origin: germline. Affected: yes.
Comment: This variant is considered likely benign or benign based on one or more of the following criteria: it is a conservative change, it occurs at a poorly conserved position in the protein, it is predicted to be benign by multiple in silico algorithms, and/or has population frequency not consistent with disease.